The following is an entry in ClinVar:

NM_000170.3(GLDC):c.2890T>C (p.Tyr964His)

Gene: GLDC (glycine decarboxylase; minus strand). Cytogenetic location: 9p24.1.
Variant type: single nucleotide variant.
Coding change: c.2890T>C on transcript NM_000170.3 (MANE Select); coding-DNA position 2890, T replaced by C.
Protein change: p.Tyr964His; replaces tyrosine 964 with histidine.
Molecular consequence: missense variant.
Genome position (GRCh38, 1-based): chr9:6,534,737, A>G on the plus strand (T>C on the coding strand, the complement: GLDC is on the minus strand). VCF-style: chr9-6534737-A-G. GRCh37 (hg19) VCF-style: chr9-6534737-A-G.
Other names: short protein forms Y964H.
Identifiers: ClinVar variation 2008767 (VCV002008767.2), dbSNP rs916926569, ClinGen allele CA372882072.
Genomic context (GRCh38, chr9:6,534,737, plus strand): 5'-CAGCTGGCACATTCAGATTCAGAGAACTTACGAGTGGGAATGCTGCCACCTCTCTGGAAT[A>G]AGGCCGGTCCCAGTGGGAAGATGTAACGCAGGTCAGGGAGTGTGGAGACATCTGAGACAG-3'
Protein context (NP_000161.2, residues 954-974): CVTSSHWDRP[Tyr964His]SREVAAFPLP

ClinVar aggregate classification (germline): Uncertain significance (1 of 4 stars; one submission).

Conditions:
Glycine encephalopathy. Also called: Nonketotic hyperglycinemia; Non-ketotic hyperglycinemia. Identifiers: Orphanet 407, MedGen C0751748, MONDO:0011612, HP:0008288.

Submission:

Labcorp Genetics (formerly Invitae), Labcorp
Classification: Uncertain significance for Glycine encephalopathy. Last evaluated: 2025-10-01. Review status: criteria provided, single submitter. Criteria: Invitae Variant Classification Sherloc (09022015). Collection method: clinical testing. Allele origin: germline.
Comment: This sequence change replaces tyrosine, which is neutral and polar, with histidine, which is basic and polar, at codon 964 of the GLDC protein (p.Tyr964His). This variant is not present in population databases (gnomAD no frequency). This variant has not been reported in the literature in individuals affected with GLDC-related conditions. ClinVar contains an entry for this variant (Variation ID: 2008767). Invitae Evidence Modeling of protein sequence and biophysical properties (such as structural, functional, and spatial information, amino acid conservation, physicochemical variation, residue mobility, and thermodynamic stability) indicates that this missense variant is expected to disrupt GLDC protein function with a positive predictive value of 95%. In summary, the available evidence is currently insufficient to determine the role of this variant in disease. Therefore, it has been classified as a Variant of Uncertain Significance.